The following is an entry in ClinVar:

NM_001830.4(CLCN4):c.611T>C (p.Leu204Pro)

Gene: CLCN4 (chloride voltage-gated channel 4; plus strand). Cytogenetic location: Xp22.2.
Variant type: single nucleotide variant.
Coding change: c.611T>C on transcript NM_001830.4 (MANE Select); coding-DNA position 611, T replaced by C.
Protein change: p.Leu204Pro; replaces leucine 204 with proline.
Molecular consequence: missense variant.
Genome position (GRCh38, 1-based): chrX:10,206,413, T>C. VCF-style: chrX-10206413-T-C. GRCh37 (hg19) VCF-style: chrX-10174453-T-C.
Other names: c.329T>C, p.Leu110Pro (NM_001256944.2); short protein forms L110P, L204P.
Identifiers: ClinVar variation 2580766 (VCV002580766.1), dbSNP rs2518884252, ClinGen allele CA412036507.

ClinVar aggregate classification (germline): Uncertain significance (1 of 4 stars; one submission).

Submission:

GeneDx
Classification: Uncertain significance. Last evaluated: 2023-09-15. Review status: criteria provided, single submitter. Criteria: GeneDx Variant Classification Process June 2021. Collection method: clinical testing. Allele origin: germline. Affected: yes.
Comment: Not observed in large population cohorts (gnomAD); In silico analysis supports that this missense variant has a deleterious effect on protein structure/function; Has not been previously published as pathogenic or benign to our knowledge